The following is an entry in ClinVar:

ClinVar aggregate classification (germline): Uncertain significance (1 of 4 stars; one submission).

Conditions:
Immunodeficiency 132A. Also called: Herpes simplex encephalitis, susceptibility to, 3. Identifiers: Orphanet 1930, MedGen C3553868, MONDO:0013920, OMIM 614849.

Allele frequency attached by ClinVar (database versions not stated): gnomAD exomes 0.00002 and 0.00004; ExAC 0.00003; gnomAD 0.00009 and 0.00007; TOPMed 0.00012; ESP Exome Variant Server 0.00008.
gnomAD v4.1: 45 of 1,612,366 alleles (0.0028%); highest among the groups gnomAD compares: Admixed American, 0.028%; no homozygotes.

Submission:

Labcorp Genetics (formerly Invitae), Labcorp
Classification: Uncertain significance for Immunodeficiency 132A. Last evaluated: 2025-07-02. Review status: criteria provided, single submitter. Criteria: Invitae Variant Classification Sherloc (09022015). Collection method: clinical testing. Allele origin: germline.
Comment: This sequence change falls in intron 2 of the TRAF3 gene. It does not directly change the encoded amino acid sequence of the TRAF3 protein. It affects a nucleotide within the consensus splice site. This variant is present in population databases (rs368807234, gnomAD 0.02%). This variant has not been reported in the literature in individuals affected with TRAF3-related conditions. ClinVar contains an entry for this variant (Variation ID: 850227). Variants that disrupt the consensus splice site are a relatively common cause of aberrant splicing (PMID: 17576681, 9536098). Algorithms developed to predict the effect of sequence changes on RNA splicing suggest that this variant is not likely to affect RNA splicing. In summary, the available evidence is currently insufficient to determine the role of this variant in disease. Therefore, it has been classified as a Variant of Uncertain Significance.

Literature cited by the submitters: PubMed 17576681; PubMed 9536098.

NM_145725.3(TRAF3):c.245+6C>T

Gene: TRAF3 (TNF receptor associated factor 3; plus strand). Cytogenetic location: 14q32.32.
Variant type: single nucleotide variant.
Coding change: c.245+6C>T on transcript NM_145725.3 (MANE Select); 6 bases into the intron after coding-DNA position 245, C replaced by T.
Molecular consequence: intron variant.
Genome position (GRCh38, 1-based): chr14:102,870,452, C>T. VCF-style: chr14-102870452-C-T. GRCh37 (hg19) VCF-style: chr14-103336789-C-T.
Other names: c.245+6C>T (NM_001385142.1, NM_145726.3, NM_001385143.1 and 2 more transcripts).
Identifiers: ClinVar variation 850227 (VCV000850227.8), dbSNP rs368807234, ClinGen allele CA7359174.